The following is an entry in ClinVar:

NM_005883.3(APC2):c.4380G>C (p.Lys1460Asn)

Gene: APC2 (APC regulator of WNT signaling pathway 2; plus strand). Cytogenetic location: 19p13.3.
Variant type: single nucleotide variant.
Coding change: c.4380G>C on transcript NM_005883.3 (MANE Select); coding-DNA position 4380, G replaced by C.
Protein change: p.Lys1460Asn; replaces lysine 1460 with asparagine.
Molecular consequence: missense variant.
Genome position (GRCh38, 1-based): chr19:1,467,681, G>C. VCF-style: chr19-1467681-G-C. GRCh37 (hg19) VCF-style: chr19-1467680-G-C.
Other names: c.4377G>C, p.Lys1459Asn (NM_001351273.1); c.4380G>C (NM_005883.2); short protein forms K1460N, K1459N.
Identifiers: ClinVar variation 2164117 (VCV002164117.3), dbSNP rs573970879, ClinGen allele CA304078413.

ClinVar aggregate classification (germline): Uncertain significance. Review status: criteria provided, multiple submitters, no conflicts (2 of 4 stars). 2 submissions from 2 submitters: Uncertain significance (2). Last evaluated 2025-02-10.

Conditions:
Inborn genetic diseases. Identifiers: MedGen C0950123, MeSH D030342.

Allele frequency attached by ClinVar (database versions not stated): 1000 Genomes Project 30x 0.00016; 1000 Genomes Project 0.00020; gnomAD 0.00021; TOPMed 0.00023.
gnomAD v4.1: 55 of 1,479,412 alleles (0.0037%); highest among the groups gnomAD compares: African/African-American, 0.069%; no homozygotes.

Submissions (2):

Ambry Genetics
Classification: Uncertain significance for Inborn genetic diseases. Last evaluated: 2025-02-10. Review status: criteria provided, single submitter. Criteria: Ambry Variant Classification Scheme 2023. Collection method: clinical testing. Allele origin: germline.

Labcorp Genetics (formerly Invitae), Labcorp
Classification: Uncertain significance. Last evaluated: 2022-08-04. Review status: criteria provided, single submitter. Criteria: Invitae Variant Classification Sherloc (09022015). Collection method: clinical testing. Allele origin: germline.
Comment: This sequence change replaces lysine, which is basic and polar, with asparagine, which is neutral and polar, at codon 1460 of the APC2 protein (p.Lys1460Asn). This variant is present in population databases (rs573970879, gnomAD 0.07%). This variant has not been reported in the literature in individuals affected with APC2-related conditions. Algorithms developed to predict the effect of missense changes on protein structure and function (SIFT, PolyPhen-2, Align-GVGD) all suggest that this variant is likely to be tolerated. In summary, the available evidence is currently insufficient to determine the role of this variant in disease. Therefore, it has been classified as a Variant of Uncertain Significance.